The following is an entry in ClinVar:

ClinVar aggregate classification (germline): Uncertain significance (1 of 4 stars; one submission).

Conditions:
Propionic acidemia (PROP). Also called: GLYCINEMIA, KETOTIC; HYPERGLYCINEMIA WITH KETOACIDOSIS AND LEUKOPENIA; KETOTIC HYPERGLYCINEMIA. Identifiers: Orphanet 35, MedGen C0268579, MONDO:0011628, OMIM 606054, HP:0003571.

Allele frequency attached by ClinVar (database versions not stated): ExAC 0.00002; gnomAD exomes 0.00002 and 0.00003; gnomAD 0.00005 and 0.00006; TOPMed 0.00017; 1000 Genomes Project 0.00040; 1000 Genomes Project 30x 0.00047.
gnomAD v4.1: 27 of 1,614,100 alleles (0.0017%); highest among the groups gnomAD compares: Admixed American, 0.03%; no homozygotes.

Submission:

Labcorp Genetics (formerly Invitae), Labcorp
Classification: Uncertain significance for Propionic acidemia. Last evaluated: 2022-08-20. Review status: criteria provided, single submitter. Criteria: Invitae Variant Classification Sherloc (09022015). Collection method: clinical testing. Allele origin: germline.
Comment: This sequence change replaces lysine, which is basic and polar, with arginine, which is basic and polar, at codon 385 of the PCCA protein (p.Lys385Arg). This variant is present in population databases (rs192543675, gnomAD 0.009%). This variant has not been reported in the literature in individuals affected with PCCA-related conditions. ClinVar contains an entry for this variant (Variation ID: 1426554). Advanced modeling of protein sequence and biophysical properties (such as structural, functional, and spatial information, amino acid conservation, physicochemical variation, residue mobility, and thermodynamic stability) performed at Invitae indicates that this missense variant is not expected to disrupt PCCA protein function. In summary, the available evidence is currently insufficient to determine the role of this variant in disease. Therefore, it has been classified as a Variant of Uncertain Significance.

NM_000282.4(PCCA):c.1154A>G (p.Lys385Arg)

Gene: PCCA (propionyl-CoA carboxylase subunit alpha; plus strand). Cytogenetic location: 13q32.3.
Variant type: single nucleotide variant.
Coding change: c.1154A>G on transcript NM_000282.4 (MANE Select); coding-DNA position 1154, A replaced by G.
Protein change: p.Lys385Arg; replaces lysine 385 with arginine.
Molecular consequence: missense variant. On other transcripts: non-coding transcript variant (5), intron variant (3).
Genome position (GRCh38, 1-based): chr13:100,301,548, A>G. VCF-style: chr13-100301548-A-G. GRCh37 (hg19) VCF-style: chr13-100953802-A-G.
Other names: c.1076A>G, p.Lys359Arg (NM_001127692.3, NM_001352607.2); c.1154A>G, p.Lys385Arg (NM_001178004.2, NM_001352605.2, NM_001352609.2); c.209A>G, p.Lys70Arg (NM_001352610.2, NM_001352611.2); c.1066-1376A>G (NM_001352606.2); c.121-1376A>G (NM_001352612.2); c.988-1376A>G (NM_001352608.2); short protein forms K70R, K359R, K385R.
Identifiers: ClinVar variation 1426554 (VCV001426554.3), dbSNP rs192543675, ClinGen allele CA7033518.
Genomic context (GRCh38, chr13:100,301,548, plus strand): 5'-CTGGCCTGGACCTAGTCCAGGAAATGATCCGTGTTGCTAAGGGCTACCCTCTCAGGCACA[A>G]ACAAGCTGATATTCGCATCAACGGCTGGGCAGTTGAATGTCGGGTTTATGCTGAGGTAAA-3'
Protein context (NP_000273.2, residues 375-395): RVAKGYPLRH[Lys385Arg]QADIRINGWA